The following is an entry in ClinVar:

ClinVar aggregate classification (germline): Uncertain significance (1 of 4 stars; one submission).

Conditions:
Charcot-Marie-Tooth disease axonal type 2O. Also called: CHARCOT-MARIE-TOOTH NEUROPATHY, AXONAL, TYPE 2O; CHARCOT-MARIE-TOOTH DISEASE, AXONAL, AUTOSOMAL DOMINANT, TYPE 2O; Charcot-Marie-Tooth disease, axonal, type 20; Charcot-Marie-Tooth Neuropathy Type 2O. Identifiers: Orphanet 284232, MedGen C3280220, MONDO:0013644, OMIM 614228.

Allele frequency attached by ClinVar (database versions not stated): gnomAD exomes below 0.00001; TOPMed 0.00001; gnomAD 0.00001.
gnomAD v4.1: 5 of 1,612,360 alleles (0.00031%); highest among the groups gnomAD compares: Non-Finnish European, 0.00042%; no homozygotes.

Submission:

Labcorp Genetics (formerly Invitae), Labcorp
Classification: Uncertain significance for Charcot-Marie-Tooth disease axonal type 2O. Last evaluated: 2025-08-21. Review status: criteria provided, single submitter. Criteria: Invitae Variant Classification Sherloc (09022015). Collection method: clinical testing. Allele origin: germline.
Comment: This sequence change replaces valine, which is neutral and non-polar, with isoleucine, which is neutral and non-polar, at codon 88 of the DYNC1H1 protein (p.Val88Ile). This variant is not present in population databases (gnomAD no frequency). This variant has not been reported in the literature in individuals affected with DYNC1H1-related conditions. ClinVar contains an entry for this variant (Variation ID: 2739568). Invitae Evidence Modeling of protein sequence and biophysical properties (such as structural, functional, and spatial information, amino acid conservation, physicochemical variation, residue mobility, and thermodynamic stability) indicates that this missense variant is not expected to disrupt DYNC1H1 protein function with a negative predictive value of 95%. In summary, the available evidence is currently insufficient to determine the role of this variant in disease. Therefore, it has been classified as a Variant of Uncertain Significance.

NM_001376.5(DYNC1H1):c.262G>A (p.Val88Ile)

Gene: DYNC1H1 (dynein cytoplasmic 1 heavy chain 1; plus strand). Cytogenetic location: 14q32.31.
Variant type: single nucleotide variant.
Coding change: c.262G>A on transcript NM_001376.5 (MANE Select); coding-DNA position 262, G replaced by A.
Protein change: p.Val88Ile; replaces valine 88 with isoleucine.
Molecular consequence: missense variant.
Genome position (GRCh38, 1-based): chr14:101,975,717, G>A. VCF-style: chr14-101975717-G-A. GRCh37 (hg19) VCF-style: chr14-102442054-G-A.
Other names: short protein forms V88I.
Identifiers: ClinVar variation 2739568 (VCV002739568.3), dbSNP rs988847052, ClinGen allele CA266970258.